The following is an entry in ClinVar:

ClinVar aggregate classification (germline): Uncertain significance (1 of 4 stars; one submission).

gnomAD v4.1: 7 of 1,613,968 alleles (0.00043%); highest among the groups gnomAD compares: Non-Finnish European, 0.00059%; no homozygotes.

Submission:

Labcorp Genetics (formerly Invitae), Labcorp
Classification: Uncertain significance. Last evaluated: 2021-11-06. Review status: criteria provided, single submitter. Criteria: Invitae Variant Classification Sherloc (09022015). Collection method: clinical testing. Allele origin: germline.
Comment: This sequence change replaces asparagine, which is neutral and polar, with lysine, which is basic and polar, at codon 190 of the ALPL protein (p.Asn190Lys). This variant is present in population databases (rs760153868, gnomAD 0.0009%). This variant has not been reported in the literature in individuals affected with ALPL-related conditions. Advanced modeling of protein sequence and biophysical properties (such as structural, functional, and spatial information, amino acid conservation, physicochemical variation, residue mobility, and thermodynamic stability) performed at Invitae indicates that this missense variant is not expected to disrupt ALPL protein function. In summary, the available evidence is currently insufficient to determine the role of this variant in disease. Therefore, it has been classified as a Variant of Uncertain Significance.

NM_000478.6(ALPL):c.570C>G (p.Asn190Lys)

Gene: ALPL (alkaline phosphatase, biomineralization associated; plus strand). Cytogenetic location: 1p36.12.
Variant type: single nucleotide variant.
Coding change: c.570C>G on transcript NM_000478.6 (MANE Select); coding-DNA position 570, C replaced by G.
Protein change: p.Asn190Lys; replaces asparagine 190 with lysine.
Molecular consequence: missense variant.
Genome position (GRCh38, 1-based): chr1:21,564,138, C>G. VCF-style: chr1-21564138-C-G. GRCh37 (hg19) VCF-style: chr1-21890631-C-G.
Other names: c.405C>G, p.Asn135Lys (NM_001127501.4); c.339C>G, p.Asn113Lys (NM_001177520.3); c.570C>G, p.Asn190Lys (NM_001369803.2, NM_001369804.2, NM_001369805.2); short protein forms N135K, N190K, N113K.
Identifiers: ClinVar variation 1368176 (VCV001368176.3), dbSNP rs760153868, ClinGen allele CA666532.